The following is an entry in ClinVar:

NM_001365999.1(SZT2):c.17C>G (p.Pro6Arg)

Genes: SZT2 (SZT2 subunit of KICSTOR complex; plus strand), LOC129930379 (ATAC-STARR-seq lymphoblastoid silent region 783; plus strand). Cytogenetic location: 1p34.2.
Variant type: single nucleotide variant.
Coding change: c.17C>G on transcript NM_001365999.1 (MANE Select); coding-DNA position 17, C replaced by G.
Protein change: p.Pro6Arg; replaces proline 6 with arginine.
Molecular consequence: missense variant.
Genome position (GRCh38, 1-based): chr1:43,389,985, C>G. VCF-style: chr1-43389985-C-G. GRCh37 (hg19) VCF-style: chr1-43855656-C-G.
Other names: c.17C>G, p.Pro6Arg (NM_015284.4); short protein forms P6R.
Identifiers: ClinVar variation 806118 (VCV000806118.44), dbSNP rs759762015, ClinGen allele CA808045.

ClinVar aggregate classification (germline): Uncertain significance. Review status: criteria provided, multiple submitters, no conflicts (2 of 4 stars). 3 submissions from 3 submitters: Uncertain significance (3). Last evaluated 2023-04-11.

Conditions:
Developmental and epileptic encephalopathy, 18 (DEE18). Also called: Early infantile epileptic encephalopathy 18. Identifiers: Orphanet 369894, MedGen C3809624, MONDO:0014201, OMIM 615476.

Allele frequency attached by ClinVar (database versions not stated): ExAC below 0.00001; gnomAD 0.00001; TOPMed 0.00001; gnomAD exomes 0.00006.
gnomAD v4.1: 40 of 1,393,882 alleles (0.0029%); highest among the groups gnomAD compares: Middle Eastern, 0.02%; no homozygotes.

Submissions (3):

Genome-Nilou Lab
Classification: Uncertain significance for Developmental and epileptic encephalopathy, 18. Last evaluated: 2023-04-11. Review status: criteria provided, single submitter. Criteria: ACMG Guidelines, 2015. Collection method: clinical testing. Allele origin: germline. Affected: no.

Labcorp Genetics (formerly Invitae), Labcorp
Classification: Uncertain significance. Last evaluated: 2022-08-16. Review status: criteria provided, single submitter. Criteria: Invitae Variant Classification Sherloc (09022015). Collection method: clinical testing. Allele origin: germline.
Comment: This sequence change replaces proline, which is neutral and non-polar, with arginine, which is basic and polar, at codon 6 of the SZT2 protein (p.Pro6Arg). This variant is present in population databases (rs759762015, gnomAD 0.02%). This variant has not been reported in the literature in individuals affected with SZT2-related conditions. ClinVar contains an entry for this variant (Variation ID: 806118). Algorithms developed to predict the effect of missense changes on protein structure and function (SIFT, PolyPhen-2, Align-GVGD) all suggest that this variant is likely to be tolerated. In summary, the available evidence is currently insufficient to determine the role of this variant in disease. Therefore, it has been classified as a Variant of Uncertain Significance.

CeGaT Center for Human Genetics Tuebingen
Classification: Uncertain significance. Last evaluated: 2018-07-01. Review status: criteria provided, single submitter. Criteria: CeGaT Center For Human Genetics Tuebingen Variant Classification Criteria Version 2. Collection method: clinical testing. Allele origin: germline. Affected: yes. Observed: 1 variant allele.